The following is an entry in ClinVar:

NM_001204.7(BMPR2):c.*2769T>A

Gene: BMPR2 (bone morphogenetic protein receptor type 2; plus strand). Cytogenetic location: 2q33.2.
Variant type: single nucleotide variant.
Coding change: c.*2769T>A on transcript NM_001204.7 (MANE Select); 2769 bases downstream of the stop codon, T replaced by A.
Molecular consequence: 3 prime UTR variant.
Genome position (GRCh38, 1-based): chr2:202,562,715, T>A. VCF-style: chr2-202562715-T-A. GRCh37 (hg19) VCF-style: chr2-203427438-T-A.
Other names: c.*2769T>A (LRG_712t1).
Identifiers: ClinVar variation 333679 (VCV000333679.5), dbSNP rs149030267, ClinGen allele CA10613618.

ClinVar aggregate classification (germline): Benign (1 of 4 stars; one submission).

Conditions:
Pulmonary hypertension, primary, 1 (PPH1). Also called: Pulmonary hypertension, familial primary, 1, with or without HHT. Identifiers: Orphanet 422, MedGen C4552070, MONDO:0024533, OMIM 178600.

Allele frequency attached by ClinVar (database versions not stated): gnomAD 0.00273 and 0.00283; 1000 Genomes Project 0.00040; TOPMed 0.00234; 1000 Genomes Project 30x 0.00078.

Submission:

Illumina Laboratory Services, Illumina
Classification: Benign for Pulmonary hypertension, primary, 1. Last evaluated: 2018-01-13. Review status: criteria provided, single submitter. Criteria: ICSL Variant Classification Criteria 13 December 2019. Collection method: clinical testing. Allele origin: germline.
Comment: This variant was observed in the ICSL laboratory as part of a predisposition screen in an ostensibly healthy population. It had not been previously curated by ICSL or reported in the Human Gene Mutation Database (HGMD: prior to June 1st, 2018), and was therefore a candidate for classification through an automated scoring system. Utilizing variant allele frequency, disease prevalence and penetrance estimates, and inheritance mode, an automated score was calculated to assess if this variant is too frequent to cause the disease. Based on the score and internal cut-off values, a variant classified as benign is not then subjected to further curation. The score for this variant resulted in a classification of benign for this disease.